The following is an entry in ClinVar:

ClinVar aggregate classification (germline): Likely benign. Review status: criteria provided, multiple submitters, no conflicts (2 of 4 stars). 2 submissions from 2 submitters: Likely benign (2). Last evaluated 2025-12-13.

Allele frequency attached by ClinVar (database versions not stated): gnomAD exomes 0.00009 and 0.00021; gnomAD 0.00010 and 0.00009; ESP Exome Variant Server 0.00008; ExAC 0.00008.
gnomAD v4.1: 301 of 1,507,428 alleles (0.02%); highest among the groups gnomAD compares: Non-Finnish European, 0.026%; no homozygotes.

Submissions (2):

Labcorp Genetics (formerly Invitae), Labcorp
Classification: Likely benign. Last evaluated: 2025-12-13. Review status: criteria provided, single submitter. Criteria: Invitae Variant Classification Sherloc (09022015). Collection method: clinical testing. Allele origin: germline.

Laboratory for Molecular Medicine, Mass General Brigham Personalized Medicine
Classification: Likely benign. Last evaluated: 2012-08-30. Review status: criteria provided, single submitter. Criteria: LMM Criteria. Collection method: clinical testing. Allele origin: germline. Observed: 2 variant alleles.
Comment: 144+7G>T in intron 2 of CTF1: This variant is not expected to have clinical sign ificance because it is not located within the splice consensus sequence. It has been identified in 1/8600 European American chromosomes from a broad population by the NHLBI Exome Sequencing Project. 144+7 G>T in intron 2 of CTF1 (allele frequency = 1/8600) **

NM_001330.5(CTF1):c.144+7G>T

Gene: CTF1 (cardiotrophin 1; plus strand). Cytogenetic location: 16p11.2.
Variant type: single nucleotide variant.
Coding change: c.144+7G>T on transcript NM_001330.5 (MANE Select); 7 bases into the intron after coding-DNA position 144, G replaced by T.
Molecular consequence: intron variant.
Genome position (GRCh38, 1-based): chr16:30,899,540, G>T. VCF-style: chr16-30899540-G-T. GRCh37 (hg19) VCF-style: chr16-30910861-G-T.
Other names: c.141+7G>T (NM_001142544.3).
Identifiers: ClinVar variation 44173 (VCV000044173.12), dbSNP rs374359365, ClinGen allele CA133716.